The following is an entry in ClinVar:

ClinVar aggregate classification (germline): Uncertain significance (1 of 4 stars; one submission).

Allele frequency attached by ClinVar (database versions not stated): gnomAD exomes below 0.00001.
gnomAD v4.1: 2 of 1,614,096 alleles (0.00012%); highest among the groups gnomAD compares: East Asian, 0.0022%; no homozygotes.

Submission:

Labcorp Genetics (formerly Invitae), Labcorp
Classification: Uncertain significance. Last evaluated: 2023-04-22. Review status: criteria provided, single submitter. Criteria: Invitae Variant Classification Sherloc (09022015). Collection method: clinical testing. Allele origin: germline.
Comment: This variant has not been reported in the literature in individuals affected with PTH1R-related conditions. This variant is not present in population databases (gnomAD no frequency). This sequence change replaces leucine, which is neutral and non-polar, with phenylalanine, which is neutral and non-polar, at codon 52 of the PTH1R protein (p.Leu52Phe). In summary, the available evidence is currently insufficient to determine the role of this variant in disease. Therefore, it has been classified as a Variant of Uncertain Significance. An algorithm developed to predict the effect of missense changes on protein structure and function (PolyPhen-2) suggests that this variant is likely to be disruptive.

NM_000316.3(PTH1R):c.154C>T (p.Leu52Phe)

Gene: PTH1R (parathyroid hormone 1 receptor; plus strand). Cytogenetic location: 3p21.31.
Variant type: single nucleotide variant.
Coding change: c.154C>T on transcript NM_000316.3 (MANE Select); coding-DNA position 154, C replaced by T.
Protein change: p.Leu52Phe; replaces leucine 52 with phenylalanine.
Molecular consequence: missense variant.
Genome position (GRCh38, 1-based): chr3:46,893,985, C>T. VCF-style: chr3-46893985-C-T. GRCh37 (hg19) VCF-style: chr3-46935475-C-T.
Other names: c.154C>T, p.Leu52Phe (NM_001184744.1); short protein forms L52F.
Identifiers: ClinVar variation 2808442 (VCV002808442.3), dbSNP rs2031584477, ClinGen allele CA352491218.